The following is an entry in ClinVar:

ClinVar aggregate classification (germline): Uncertain significance (1 of 4 stars; one submission).

Conditions:
PLXNA3-related disorder. Also called: PLXNA3-related condition.

gnomAD v4.1: 1 of 1,197,831 alleles (0.000083%); highest among the groups gnomAD compares: Admixed American, 0.0023%; no homozygotes.

Submission:

PreventionGenetics, part of Exact Sciences
Classification: Uncertain significance for PLXNA3-related condition. Last evaluated: 2025-03-26. Review status: criteria provided, single submitter. Criteria: ACMG Guidelines, 2015. Collection method: clinical testing. Allele origin: germline.
Comment: The PLXNA3 c.1582G>T variant is predicted to result in the amino acid substitution p.Ala528Ser. To our knowledge, this variant has not been reported in the literature or in a large population database (gnomAD), indicating this variant is rare. At this time, the clinical significance of this variant is uncertain due to the absence of conclusive functional and genetic evidence.

NM_017514.5(PLXNA3):c.1582G>T (p.Ala528Ser)

Gene: PLXNA3 (plexin A3; plus strand). Cytogenetic location: Xq28.
Variant type: single nucleotide variant.
Coding change: c.1582G>T on transcript NM_017514.5 (MANE Select); coding-DNA position 1582, G replaced by T.
Protein change: p.Ala528Ser; replaces alanine 528 with serine.
Molecular consequence: missense variant.
Genome position (GRCh38, 1-based): chrX:154,463,985, G>T. VCF-style: chrX-154463985-G-T. GRCh37 (hg19) VCF-style: chrX-153692328-G-T.
Other names: short protein forms A528S.
Identifiers: ClinVar variation 4983312 (VCV004983312.1).